The following is an entry in ClinVar:

ClinVar aggregate classification (germline): Uncertain significance. Review status: criteria provided, multiple submitters, no conflicts (2 of 4 stars). 3 submissions from 3 submitters: Uncertain significance (3). Last evaluated 2025-09-12.

Conditions:
Familial cancer of breast. Also called: hereditary breast carcinoma; BREAST CANCER, FAMILIAL; Hereditary breast cancer. Identifiers: Orphanet 227535, MedGen C0346153, MONDO:0016419, OMIM 114480. Disease mechanism: loss of function.
Hereditary cancer-predisposing syndrome. Also called: Tumor predisposition; Neoplastic Syndromes, Hereditary; Hereditary neoplastic syndrome; Hereditary Cancer Syndrome. Identifiers: Orphanet 140162, MedGen C0027672, MeSH D009386, MONDO:0015356.

Submissions (3):

Ambry Genetics
Classification: Uncertain significance for Hereditary cancer-predisposing syndrome. Last evaluated: 2025-09-12. Review status: criteria provided, single submitter. Criteria: Ambry Variant Classification Scheme 2023. Collection method: clinical testing. Allele origin: germline.
Comment: The p.I419V variant (also known as c.1255A>G), located in coding exon 10 of the CHEK2 gene, results from an A to G substitution at nucleotide position 1255. The isoleucine at codon 419 is replaced by valine, an amino acid with highly similar properties. This amino acid position is poorly conserved in available vertebrate species. In addition, this alteration is predicted to be tolerated by in silico analysis. Since supporting evidence is limited at this time, the clinical significance of this alteration remains unclear.

Labcorp Genetics (formerly Invitae), Labcorp
Classification: Uncertain significance for Familial cancer of breast. Last evaluated: 2024-05-26. Review status: criteria provided, single submitter. Criteria: Invitae Variant Classification Sherloc (09022015). Collection method: clinical testing. Allele origin: germline.
Comment: This sequence change replaces isoleucine, which is neutral and non-polar, with valine, which is neutral and non-polar, at codon 419 of the CHEK2 protein (p.Ile419Val). This variant is not present in population databases (gnomAD no frequency). This variant has not been reported in the literature in individuals affected with CHEK2-related conditions. ClinVar contains an entry for this variant (Variation ID: 631348). Algorithms developed to predict the effect of missense changes on protein structure and function output the following: SIFT: "Not Available"; PolyPhen-2: "Benign"; Align-GVGD: "Not Available". The valine amino acid residue is found in multiple mammalian species, which suggests that this missense change does not adversely affect protein function. In summary, the available evidence is currently insufficient to determine the role of this variant in disease. Therefore, it has been classified as a Variant of Uncertain Significance.

Color Diagnostics, LLC DBA Color Health
Classification: Uncertain significance for Hereditary cancer-predisposing syndrome. Last evaluated: 2018-08-17. Review status: criteria provided, single submitter. Criteria: ACMG Guidelines, 2015. Collection method: clinical testing. Allele origin: germline.

NM_007194.4(CHEK2):c.1255A>G (p.Ile419Val)

Gene: CHEK2 (checkpoint kinase 2; minus strand). Cytogenetic location: 22q12.1.
Variant type: single nucleotide variant.
Coding change: c.1255A>G on transcript NM_007194.4 (MANE Select); coding-DNA position 1255, A replaced by G.
Protein change: p.Ile419Val; replaces isoleucine 419 with valine.
Molecular consequence: missense variant.
Genome position (GRCh38, 1-based): chr22:28,695,714, T>C on the plus strand (A>G on the coding strand, the complement: CHEK2 is on the minus strand). VCF-style: chr22-28695714-T-C. GRCh37 (hg19) VCF-style: chr22-29091702-T-C.
Other names: c.1384A>G, p.Ile462Val (NM_001005735.3); c.592A>G, p.Ile198Val (NM_001257387.3); c.1054A>G, p.Ile352Val (NM_001349956.3); c.1168A>G, p.Ile390Val (NM_145862.3); short protein forms I419V, I198V, I352V, I390V, I462V.
Identifiers: ClinVar variation 631348 (VCV000631348.8), dbSNP rs1569113123, ClinGen allele CA411096510.